The following is an entry in ClinVar:

ClinVar aggregate classification (germline): Uncertain significance (1 of 4 stars; one submission).

Conditions:
Cardiovascular phenotype. Identifiers: MedGen CN230736.

gnomAD v4.1: 3 of 1,612,996 alleles (0.00019%); highest among the groups gnomAD compares: African/African-American, 0.0013%; no homozygotes.

Submission:

Ambry Genetics
Classification: Uncertain significance for Cardiovascular phenotype. Last evaluated: 2025-03-31. Review status: criteria provided, single submitter. Criteria: Ambry Variant Classification Scheme 2023. Collection method: clinical testing. Allele origin: germline.
Comment: The p.V1326A variant (also known as c.3977T>C), located in coding exon 29 of the LAMA4 gene, results from a T to C substitution at nucleotide position 3977. The valine at codon 1326 is replaced by alanine, an amino acid with similar properties. This amino acid position is conserved. In addition, this alteration is predicted to be tolerated by in silico analysis. Based on the available evidence, the clinical significance of this variant remains unclear.

NM_001105206.3(LAMA4):c.3998T>C (p.Val1333Ala)

Gene: LAMA4 (laminin subunit alpha 4; minus strand). Cytogenetic location: 6q21.
Variant type: single nucleotide variant.
Coding change: c.3998T>C on transcript NM_001105206.3 (MANE Select); coding-DNA position 3998, T replaced by C.
Protein change: p.Val1333Ala; replaces valine 1333 with alanine.
Molecular consequence: missense variant.
Genome position (GRCh38, 1-based): chr6:112,130,011, A>G on the plus strand (T>C on the coding strand, the complement: LAMA4 is on the minus strand). VCF-style: chr6-112130011-A-G. GRCh37 (hg19) VCF-style: chr6-112451213-A-G.
Other names: c.3977T>C, p.Val1326Ala (NM_001105207.3, NM_002290.5); short protein forms V1333A, V1326A.
Identifiers: ClinVar variation 4045938 (VCV004045938.1).